The following is an entry in ClinVar:

NM_015041.3(CLUAP1):c.17T>G (p.Leu6Arg)

Genes: CLUAP1 (clusterin associated protein 1; plus strand), LOC130058340 (ATAC-STARR-seq lymphoblastoid active region 10324; plus strand). Cytogenetic location: 16p13.3.
Variant type: single nucleotide variant.
Coding change: c.17T>G on transcript NM_015041.3 (MANE Select); coding-DNA position 17, T replaced by G.
Protein change: p.Leu6Arg; replaces leucine 6 with arginine.
Molecular consequence: missense variant.
Genome position (GRCh38, 1-based): chr16:3,501,084, T>G. VCF-style: chr16-3501084-T-G. GRCh37 (hg19) VCF-style: chr16-3551084-T-G.
Other names: c.17T>G, p.Leu6Arg (NM_001330454.2); short protein forms L6R.
Identifiers: ClinVar variation 2416857 (VCV002416857.7), dbSNP rs534333509, ClinGen allele CA7863559.

ClinVar aggregate classification (germline): Uncertain significance (1 of 4 stars; one submission).

Allele frequency attached by ClinVar (database versions not stated): gnomAD exomes 0.00002; TOPMed 0.00002; gnomAD 0.00003; ExAC 0.00006.
gnomAD v4.1: 37 of 1,597,384 alleles (0.0023%); highest among the groups gnomAD compares: East Asian, 0.054%; no homozygotes.

Submission:

Labcorp Genetics (formerly Invitae), Labcorp
Classification: Uncertain significance. Last evaluated: 2025-12-09. Review status: criteria provided, single submitter. Criteria: Invitae Variant Classification Sherloc (09022015). Collection method: clinical testing. Allele origin: germline.
Comment: This sequence change replaces leucine, which is neutral and non-polar, with arginine, which is basic and polar, at codon 6 of the CLUAP1 protein (p.Leu6Arg). This variant is present in population databases (rs534333509, gnomAD 0.07%), and has an allele count higher than expected for a pathogenic variant. This variant has not been reported in the literature in individuals affected with CLUAP1-related conditions. ClinVar contains an entry for this variant (Variation ID: 2416857). Invitae Evidence Modeling of protein sequence and biophysical properties (such as structural, functional, and spatial information, amino acid conservation, physicochemical variation, residue mobility, and thermodynamic stability) indicates that this missense variant is expected to disrupt CLUAP1 protein function with a positive predictive value of 80%. In summary, the available evidence is currently insufficient to determine the role of this variant in disease. Therefore, it has been classified as a Variant of Uncertain Significance.